The following is an entry in ClinVar:

ClinVar aggregate classification (germline): Pathogenic/Likely pathogenic. Review status: criteria provided, multiple submitters, no conflicts (2 of 4 stars). 5 submissions from 5 submitters: Pathogenic (2); Likely pathogenic (2). 1 of the submissions does not count toward it. Last evaluated 2024-04-18.

Conditions:
Nemaline myopathy 2 (NEM2). Also called: Nemaline myopathy 2, autosomal recessive. Identifiers: MedGen C1850569, MONDO:0009725, OMIM 256030.
Arthrogryposis multiplex congenita 6. Identifiers: MedGen C5543431, MONDO:0030281, OMIM 619334.
NEB-related disorder. Also called: NEB-Related Disorders; NEB-related condition.

Allele frequency attached by ClinVar (database versions not stated): gnomAD exomes below 0.00001; TOPMed below 0.00001; gnomAD 0.00001.
gnomAD v4.1: 6 of 1,606,618 alleles (0.00037%); highest among the groups gnomAD compares: South Asian, 0.0033%; no homozygotes.

Submissions (5):

Fulgent Genetics
Classification: Pathogenic for Nemaline myopathy 2; Arthrogryposis multiplex congenita 6. Last evaluated: 2024-04-18. Review status: criteria provided, single submitter. Criteria: ACMG Guidelines, 2015. Collection method: clinical testing. Allele origin: germline.

Blueprint Genetics
Classification: Likely pathogenic for NEB-related disorders. Last evaluated: 2023-12-22. Review status: criteria provided, single submitter. Criteria: ACMG Guidelines, 2015. Collection method: clinical testing. Allele origin: germline. Affected: yes. Observed: 2 variant alleles.

Labcorp Genetics (formerly Invitae), Labcorp
Classification: Pathogenic for Nemaline myopathy 2. Last evaluated: 2022-06-01. Review status: criteria provided, single submitter. Criteria: Invitae Variant Classification Sherloc (09022015). Collection method: clinical testing. Allele origin: germline.
Comment: This sequence change affects a donor splice site in intron 16 of the NEB gene. It is expected to disrupt RNA splicing. Variants that disrupt the donor or acceptor splice site typically lead to a loss of protein function (PMID: 16199547), and loss-of-function variants in NEB are known to be pathogenic (PMID: 25205138). This variant is present in population databases (no rsID available, gnomAD 0.003%). Disruption of this splice site has been observed in individuals with nemaline myopathy (Invitae). ClinVar contains an entry for this variant (Variation ID: 556868). Algorithms developed to predict the effect of sequence changes on RNA splicing suggest that this variant may disrupt the consensus splice site. For these reasons, this variant has been classified as Pathogenic.

Revvity Omics, Revvity
Classification: Likely pathogenic. Last evaluated: 2021-10-20. Review status: criteria provided, single submitter. Criteria: ACMG Guidelines, 2015. Collection method: clinical testing. Allele origin: germline.

Counsyl
Classification: Likely pathogenic for Nemaline myopathy 2. Last evaluated: 2018-02-21. Review status: no assertion criteria provided. Collection method: clinical testing. Allele origin: unknown. Not counted in ClinVar's aggregate classification.

Literature cited by the submitters: PubMed 16199547 (cited by Labcorp Genetics (formerly Invitae), Labcorp); PubMed 25205138 (cited by Labcorp Genetics (formerly Invitae), Labcorp).

NM_001164508.2(NEB):c.1470+1G>A

Gene: NEB (nebulin; minus strand). Cytogenetic location: 2q23.3.
Variant type: single nucleotide variant.
Coding change: c.1470+1G>A on transcript NM_001164508.2 (MANE Select); the canonical splice donor site of the intron after coding-DNA position 1470, G replaced by A.
Molecular consequence: splice donor variant.
Genome position (GRCh38, 1-based): chr2:151,697,147, C>T on the plus strand (G>A on the coding strand, the complement: NEB is on the minus strand). VCF-style: chr2-151697147-C-T. GRCh37 (hg19) VCF-style: chr2-152553661-C-T.
Other names: c.1470+1G>A (NM_004543.5, NM_001164507.2, NM_001271208.2).
Identifiers: ClinVar variation 556868 (VCV000556868.13), dbSNP rs1220787593, ClinGen allele CA348825282.
Genomic context (GRCh38, chr2:151,697,147, plus strand): 5'-TATCCTGACCACTAGATGCTATGGAAGGCAGTCACATTCAAAGTTCAGACTACAGACTTA[C>T]GTCTTTACACTGATCTAGTTTCTTAATTGCTTCATATTCTTGAGTTATGGTCTGAGGGAA-3'